The following is an entry in ClinVar:

ClinVar aggregate classification (germline): Uncertain significance (1 of 4 stars; one submission).

Conditions:
Familial infantile myasthenia (CMS6). Also called: Congenital myasthenic syndrome type 6; MYASTHENIC SYNDROME, PRESYNAPTIC, CONGENITAL, ASSOCIATED WITH EPISODIC APNEA; MYASTHENIC SYNDROME, CONGENITAL, 6, PRESYNAPTIC. Identifiers: Orphanet 590, MedGen C0393929, MONDO:0009689, OMIM 254210.

Submission:

Neuberg Centre For Genomic Medicine, NCGM
Classification: Uncertain significance for Familial infantile myasthenia. Last evaluated: 2023-05-20. Review status: criteria provided, single submitter. Criteria: ACMG Guidelines, 2015. Collection method: clinical testing. Allele origin: germline. Inheritance: Autosomal recessive inheritance. Affected: yes.
Comment: The observed missense variant c.1958T>C(p.Phe653Ser) in CHAT gene has not been reported previously as a pathogenic variant nor as a benign variant, to our knowledge. The c.1958T>C variant is absent in gnomAD Exomes. The amino acid Phenylalanine at position 653 is changed to a Serine changing protein sequence and it might alter its composition and physico-chemical properties. Multiple lines of computational evidence (Polyphen, SIFT and Mutation Taster) predict a damaging effect on protein structure and function for this variant. The amino acid change p.Phe653Ser in CHAT is predicted as conserved by GERP++ and PhyloP across 100 vertebrates. For these reasons, this variant has been classified as Uncertain Significance.

NM_020549.5(CHAT):c.1958T>C (p.Phe653Ser)

Gene: CHAT (choline O-acetyltransferase; plus strand). Cytogenetic location: 10q11.23.
Variant type: single nucleotide variant.
Coding change: c.1958T>C on transcript NM_020549.5 (MANE Select); coding-DNA position 1958, T replaced by C.
Protein change: p.Phe653Ser; replaces phenylalanine 653 with serine.
Molecular consequence: missense variant.
Genome position (GRCh38, 1-based): chr10:49,662,763, T>C. VCF-style: chr10-49662763-T-C. GRCh37 (hg19) VCF-style: chr10-50870809-T-C.
Other names: c.1604T>C, p.Phe535Ser (NM_001142929.2, NM_001142934.2, NM_020984.4 and 2 more transcripts); c.1712T>C, p.Phe571Ser (NM_001142933.2); short protein forms F535S, F571S, F653S.
Identifiers: ClinVar variation 3341407 (VCV003341407.1).